The following is an entry in ClinVar:

ClinVar aggregate classification (germline): Uncertain significance (1 of 4 stars; one submission).

Allele frequency attached by ClinVar (database versions not stated): gnomAD exomes below 0.00001.
gnomAD v4.1: 1 of 1,588,776 alleles (0.000063%); highest among the groups gnomAD compares: Non-Finnish European, 0.000086%; no homozygotes.

Submission:

CeGaT Center for Human Genetics Tuebingen
Classification: Uncertain significance. Last evaluated: 2022-12-01. Review status: criteria provided, single submitter. Criteria: CeGaT Center For Human Genetics Tuebingen Variant Classification Criteria Version 2. Collection method: clinical testing. Allele origin: germline. Affected: yes. Observed: 1 variant allele.
Comment: COL1A2: PM2

NM_000089.4(COL1A2):c.266G>A (p.Gly89Asp)

Gene: COL1A2 (collagen type I alpha 2 chain; plus strand). Cytogenetic location: 7q21.3.
Variant type: single nucleotide variant.
Coding change: c.266G>A on transcript NM_000089.4 (MANE Select); coding-DNA position 266, G replaced by A.
Protein change: p.Gly89Asp; replaces glycine 89 with aspartic acid.
Molecular consequence: missense variant.
Genome position (GRCh38, 1-based): chr7:94,401,607, G>A. VCF-style: chr7-94401607-G-A. GRCh37 (hg19) VCF-style: chr7-94030919-G-A.
Other names: short protein forms G89D.
Identifiers: ClinVar variation 1879692 (VCV001879692.29), dbSNP rs1791691239, ClinGen allele CA368219385.
Genomic context (GRCh38, chr7:94,401,607, plus strand): 5'-TTTTTTTTTTACTTCTCTAGAACTTTGCTGCTCAGTATGATGGAAAAGGAGTTGGACTTG[G>A]CCCTGGACCAATGGTATGCTTATCTGTTTATCTTAGCCAAAAAAATTGCTAAATAAATCA-3'
Protein context (NP_000080.2, residues 79-99): AQYDGKGVGL[Gly89Asp]PGPMGLMGPR